The following is an entry in ClinVar:

NM_000458.4(HNF1B):c.1009dup (p.His337fs)

Gene: HNF1B (HNF1 homeobox B; minus strand). Cytogenetic location: 17q12.
Variant type: Duplication.
Coding change: c.1009dup on transcript NM_000458.4 (MANE Select); coding-DNA position 1009, one base duplicated (C; older notation c.1009dupC).
Protein change: p.His337fs; shifts the reading frame from histidine 337.
Molecular consequence: frameshift variant.
Genome position (GRCh38, 1-based): chr17:37,731,631, G duplicated on the plus strand (C on the coding strand, the reverse complement: HNF1B is on the minus strand); the first of 2 consecutive G bases (chr17:37,731,631-37,731,632); duplicating either gives the same sequence. VCF-style (leftmost placement, unchanged base first): chr17-37731630-T-TG. GRCh37 (hg19) VCF-style: chr17-36091621-T-TG.
Other names: c.931dup, p.His311fs (NM_001165923.4, NM_001304286.2); short protein forms H311fs, H337fs.
Identifiers: ClinVar variation 635614 (VCV000635614.2), dbSNP rs1598840773, ClinGen allele CA913190765.
Genomic context (GRCh38, chr17:37,731,630, plus strand): 5'-GCAGTGAGGCCCAACCTTTGCTTACCTGACAGCTTGTTTGGAGGAGAGGAGCTGGGCTGG[T>TG]GGTGGGGGGAGCCGTGGGAGAGCAGAGGGTTCAGGCTGTGAGTCTGGTTGGAGCTATAGG-3'

ClinVar aggregate classification (germline): Pathogenic/Likely pathogenic. Review status: criteria provided, multiple submitters, no conflicts (2 of 4 stars). 2 submissions from 2 submitters: Pathogenic (1); Likely pathogenic (1). Last evaluated 2019-07-06.

Conditions:
Maturity-onset diabetes of the young (MODY). Also called: Maturity onset diabetes mellitus in young. Identifiers: Orphanet 552, MedGen C0342276, MONDO:0018911, HP:0004904.
Renal cysts and diabetes syndrome (RCAD). Also called: Familial hypoplastic, glomerulocystic kidney; MATURITY-ONSET DIABETES OF THE YOUNG, TYPE 5. Identifiers: Orphanet 93111, MedGen C0431693, MONDO:0007669, OMIM 137920.

Submissions (2):

Institute of Human Genetics, FAU Erlangen, Friedrich-Alexander-Universität Erlangen-Nürnberg
Classification: Pathogenic for Renal cysts and diabetes syndrome. Last evaluated: 2019-07-06. Review status: criteria provided, single submitter. Criteria: ACMG Guidelines, 2015. Collection method: literature only. Allele origin: germline. Affected: yes.
Comment: This variant and it's classification has been reported by Vasileiou et al. 2019; DOI:10.1101/576918. The variants has previously been reported in PMID:28251383 as "c.1007insC p.(His336HfsX23)" with clinical significance Pathogenic. It has been re-classified using InterVar and manual curation as Pathogenic based on PVS1 PM2 PP3.

Clinical Genomics, Uppaluri K&H Personalized Medicine Clinic
Classification: Likely pathogenic for Maturity-onset diabetes of the young. Review status: criteria provided, single submitter. Criteria: K & H Uppaluri Personalized Medicine Clinic Variant Classification & Assertion Criteria_Updated V.1. Collection method: research. Allele origin: unknown. Inheritance: Autosomal dominant inheritance.
Comment: HNF1B gene mutations are associated with early onset diabetes and pancreatic atrophy. It is also associated with multiple renal manifestations including renal cysts, Tubulointerstitial disease, glomerulocystic disease, renal hypoplasia, hypomagnesemia. However no sufficient evidence is found to ascertain the role of this particular variant rs1598840773, yet.

Literature cited by the submitters: PubMed 28251383 (cited by Institute of Human Genetics, FAU Erlangen, Friedrich-Alexander-Universität Erlangen-Nürnberg); DOI 10.1101/576918 (cited by Institute of Human Genetics, FAU Erlangen, Friedrich-Alexander-Universität Erlangen-Nürnberg); PubMed 24897035 (cited by Clinical Genomics, Uppaluri K&H Personalized Medicine Clinic); PubMed 25536396 (cited by Clinical Genomics, Uppaluri K&H Personalized Medicine Clinic); PubMed 27615128 (cited by Clinical Genomics, Uppaluri K&H Personalized Medicine Clinic); PubMed 28215227 (cited by Clinical Genomics, Uppaluri K&H Personalized Medicine Clinic); PubMed 33434175 (cited by Clinical Genomics, Uppaluri K&H Personalized Medicine Clinic); PubMed 25741167 (cited by Clinical Genomics, Uppaluri K&H Personalized Medicine Clinic); PubMed 26340261 (cited by Clinical Genomics, Uppaluri K&H Personalized Medicine Clinic); PubMed 19639018 (cited by Clinical Genomics, Uppaluri K&H Personalized Medicine Clinic).